The following is an entry in ClinVar:

ClinVar aggregate classification (germline): Uncertain significance (1 of 4 stars; one submission).

Conditions:
Hereditary cancer-predisposing syndrome. Also called: Neoplastic Syndromes, Hereditary; Tumor predisposition; Hereditary Cancer Syndrome; Hereditary neoplastic syndrome. Identifiers: Orphanet 140162, MedGen C0027672, MeSH D009386, MONDO:0015356.

Submission:

Ambry Genetics
Classification: Uncertain significance for Hereditary cancer-predisposing syndrome. Last evaluated: 2025-05-16. Review status: criteria provided, single submitter. Criteria: Ambry Variant Classification Scheme 2023. Collection method: clinical testing. Allele origin: germline.
Comment: The c.36+41C>T intronic variant results from a C to T substitution 41 nucleotides after coding exon 1 in the MUTYH gene. This nucleotide position is well conserved in available vertebrate species. In silico splice site analysis predicts that this alteration will result in the creation or strengthening of a novel splice donor site; however, direct evidence is insufficient at this time (Ambry internal data). Since supporting evidence is limited at this time, the clinical significance of this alteration remains unclear.

NM_001128425.2(MUTYH):c.36+41C>T

Genes: MUTYH (mutY DNA glycosylase; minus strand), TOE1 (target of EGR1, exonuclease; plus strand). Cytogenetic location: 1p34.1.
Variant type: single nucleotide variant.
Coding change: c.36+41C>T on transcript NM_001128425.2 (MANE Plus Clinical); 41 bases into the intron after coding-DNA position 36, C replaced by T.
Molecular consequence: intron variant. On other transcripts: 5 prime UTR variant (1).
Genome position (GRCh38, 1-based): chr1:45,340,178, G>A on the plus strand (C>T on the coding strand, the complement: MUTYH is on the minus strand). VCF-style: chr1-45340178-G-A. GRCh37 (hg19) VCF-style: chr1-45805850-G-A.
Other names: c.-75G>A (NM_025077.4); c.-7+45C>T (NM_001407072.1); c.-214+41C>T (NM_001350651.2); c.-219+41C>T (NM_001293192.2); c.-278+41C>T (NM_001350650.2); c.36+41C>T (NM_001407073.1, NM_001293190.2, NM_001407069.1 and 1 more transcripts); c.-7+41C>T (NM_001048171.2); c.-7+25C>T (NM_001407070.1, NM_001407071.1).
Identifiers: ClinVar variation 3914939 (VCV003914939.1).
Genomic context (GRCh38, chr1:45,340,178, plus strand): 5'-TCTGAACGGAAGTTCGACCCATCGGCGACCCGACGGCGAGACCCCGCCCCATCCCCGACT[G>A]CCTGAACCGCGCCAGGAGACGGACCGCAAGTCCAGCGTACCCACAGACGACTCAGGCGGG-3'